The following is an entry in ClinVar:

NM_015202.5(KATNIP):c.3492G>A (p.Thr1164=)

Gene: KATNIP (katanin interacting protein; plus strand). Cytogenetic location: 16p12.1.
Variant type: single nucleotide variant.
Coding change: c.3492G>A on transcript NM_015202.5 (MANE Select); coding-DNA position 3492, G replaced by A.
Protein change: p.Thr1164=; no amino-acid change (threonine 1164 retained).
Molecular consequence: synonymous variant.
Genome position (GRCh38, 1-based): chr16:27,751,864, G>A. VCF-style: chr16-27751864-G-A. GRCh37 (hg19) VCF-style: chr16-27763185-G-A.
Other names: c.3492G>A (NM_015202.3).
Identifiers: ClinVar variation 715683 (VCV000715683.26), dbSNP rs142864286, ClinGen allele CA7978254.

ClinVar aggregate classification (germline): Benign/Likely benign. Review status: criteria provided, multiple submitters, no conflicts (2 of 4 stars). 5 submissions from 5 submitters: Benign (2); Likely benign (2). 1 of the submissions does not count toward it. Last evaluated 2025-09-01.

Conditions:
KATNIP-related disorder. Also called: KATNIP-related condition.

Allele frequency attached by ClinVar (database versions not stated): 1000 Genomes Project 30x 0.00078; 1000 Genomes Project 0.00080; TOPMed 0.00117; ESP Exome Variant Server 0.00192.
gnomAD v4.1: 355 of 1,613,908 alleles (0.022%); highest among the groups gnomAD compares: African/African-American, 0.34%; no homozygotes.

Submissions (5):

CeGaT Center for Human Genetics Tuebingen
Classification: Likely benign. Last evaluated: 2025-09-01. Review status: criteria provided, single submitter. Criteria: CeGaT Center For Human Genetics Tuebingen Variant Classification Criteria Version 2. Collection method: clinical testing. Allele origin: germline. Affected: yes. Observed: 2 variant alleles.
Comment: KATNIP: BP4, BP7

Labcorp Genetics (formerly Invitae), Labcorp
Classification: Benign. Last evaluated: 2025-05-18. Review status: criteria provided, single submitter. Criteria: Invitae Variant Classification Sherloc (09022015). Collection method: clinical testing. Allele origin: germline.

Blueprint Genetics
Classification: Likely benign. Last evaluated: 2024-05-27. Review status: criteria provided, single submitter. Criteria: ACMG Guidelines, 2015. Collection method: clinical testing. Allele origin: germline.

Breakthrough Genomics
Classification: Benign. Review status: criteria provided, single submitter. Criteria: ACMG Guidelines, 2015. Collection method: not provided. Allele origin: germline. Inheritance: Autosomal recessive inheritance. Affected: yes.

PreventionGenetics, part of Exact Sciences
Classification: Likely benign for KATNIP-related condition. Last evaluated: 2019-04-30. Review status: no assertion criteria provided. Collection method: clinical testing. Allele origin: germline. Not counted in ClinVar's aggregate classification.
Comment: This variant is classified as likely benign based on ACMG/AMP sequence variant interpretation guidelines (Richards et al. 2015 PMID: 25741868, with internal and published modifications).